The following is an entry in ClinVar:

NM_001276270.2(MBD4):c.912T>A (p.Ser304Arg)

Gene: MBD4 (methyl-CpG binding domain 4, DNA glycosylase; minus strand). Cytogenetic location: 3q21.3.
Variant type: single nucleotide variant.
Coding change: c.912T>A on transcript NM_001276270.2 (MANE Select); coding-DNA position 912, T replaced by A.
Protein change: p.Ser304Arg; replaces serine 304 with arginine.
Molecular consequence: missense variant. On other transcripts: intron variant (1).
Genome position (GRCh38, 1-based): chr3:129,436,732, A>T on the plus strand (T>A on the coding strand, the complement: MBD4 is on the minus strand). VCF-style: chr3-129436732-A-T. GRCh37 (hg19) VCF-style: chr3-129155575-A-T.
Other names: c.912T>A, p.Ser304Arg (NM_001276271.2, NM_001276272.2, NM_003925.3); c.247+1076T>A (NM_001276273.2); short protein forms S304R.
Identifiers: ClinVar variation 4825704 (VCV004825704.1).

ClinVar aggregate classification (germline): Uncertain significance (1 of 4 stars; one submission).

Conditions:
Inborn genetic diseases. Identifiers: MedGen C0950123, MeSH D030342.

Submission:

Ambry Genetics
Classification: Uncertain significance for Inborn genetic diseases. Last evaluated: 2026-02-04. Review status: criteria provided, single submitter. Criteria: Ambry Variant Classification Scheme 2023. Collection method: clinical testing. Allele origin: germline.
Comment: The p.S304R variant (also known as c.912T>A), located in coding exon 3 of the MBD4 gene, results from a T to A substitution at nucleotide position 912. The serine at codon 304 is replaced by arginine, an amino acid with dissimilar properties. This amino acid position is not well conserved in available vertebrate species. In addition, this alteration is predicted to be tolerated by in silico analysis. Based on the available evidence, the clinical significance of this variant remains unclear.